The following is an entry in ClinVar:

NM_004360.5(CDH1):c.2230C>A (p.Pro744Thr)

Gene: CDH1 (cadherin 1; plus strand). Cytogenetic location: 16q22.1.
Variant type: single nucleotide variant.
Coding change: c.2230C>A on transcript NM_004360.5 (MANE Select); coding-DNA position 2230, C replaced by A.
Protein change: p.Pro744Thr; replaces proline 744 with threonine.
Molecular consequence: missense variant.
Genome position (GRCh38, 1-based): chr16:68,828,239, C>A. VCF-style: chr16-68828239-C-A. GRCh37 (hg19) VCF-style: chr16-68862142-C-A.
Other names: c.2047C>A, p.Pro683Thr (NM_001317184.2); c.682C>A, p.Pro228Thr (NM_001317185.2); c.265C>A, p.Pro89Thr (NM_001317186.2); short protein forms P744T, P89T, P228T, P683T.
Identifiers: ClinVar variation 920029 (VCV000920029.12), dbSNP rs761146693, ClinGen allele CA396469704.

ClinVar aggregate classification (germline): Uncertain significance. Review status: criteria provided, multiple submitters, no conflicts (2 of 4 stars). 2 submissions from 2 submitters: Uncertain significance (2). Last evaluated 2024-03-07.

Conditions:
Hereditary cancer-predisposing syndrome. Also called: Hereditary Cancer Syndrome; Hereditary neoplastic syndrome; Neoplastic Syndromes, Hereditary; Tumor predisposition. Identifiers: Orphanet 140162, MedGen C0027672, MeSH D009386, MONDO:0015356.
Hereditary diffuse gastric adenocarcinoma (HDGC). Also called: DIFFUSE GASTRIC AND LOBULAR BREAST CANCER SYNDROME. Identifiers: Orphanet 26106, MedGen C1708349, MONDO:0007648, OMIM 137215.

Submissions (2):

Color Diagnostics, LLC DBA Color Health
Classification: Uncertain significance for Hereditary cancer-predisposing syndrome. Last evaluated: 2024-03-07. Review status: criteria provided, single submitter. Criteria: ACMG Guidelines, 2015. Collection method: clinical testing. Allele origin: germline.
Comment: This missense variant replaces proline with threonine at codon 744 of the CDH1 protein. Computational prediction suggests that this variant may not impact protein structure and function (internally defined REVEL score threshold <= 0.5, PMID: 27666373). Splice site prediction tools suggest that this variant may not impact RNA splicing. To our knowledge, functional studies have not been performed for this variant. This variant has not been reported in individuals affected with hereditary cancer in the literature. This variant has not been identified in the general population by the Genome Aggregation Database (gnomAD). The available evidence is insufficient to determine the role of this variant in disease conclusively. Therefore, this variant is classified as a Variant of Uncertain Significance.

Labcorp Genetics (formerly Invitae), Labcorp
Classification: Uncertain significance for Hereditary diffuse gastric adenocarcinoma. Last evaluated: 2021-05-19. Review status: criteria provided, single submitter. Criteria: Invitae Variant Classification Sherloc (09022015). Collection method: clinical testing. Allele origin: germline.
Comment: In summary, the available evidence is currently insufficient to determine the role of this variant in disease. Therefore, it has been classified as a Variant of Uncertain Significance. This sequence change replaces proline with threonine at codon 744 of the CDH1 protein (p.Pro744Thr). The proline residue is highly conserved and there is a small physicochemical difference between proline and threonine. This variant is not present in population databases (ExAC no frequency). This variant has not been reported in the literature in individuals with CDH1-related conditions. ClinVar contains an entry for this variant (Variation ID: 920029). Algorithms developed to predict the effect of missense changes on protein structure and function are either unavailable or do not agree on the potential impact of this missense change (SIFT: "Deleterious"; PolyPhen-2: "Probably Damaging"; Align-GVGD: "Class C0").